The following is an entry in ClinVar:

NM_000497.4(CYP11B1):c.1136G>T (p.Gly379Val)

Genes: CYP11B1 (cytochrome P450 family 11 subfamily B member 1; minus strand), LOC106799833 (CYP11B1 recombination region; plus strand). Cytogenetic location: 8q24.3.
Variant type: single nucleotide variant.
Coding change: c.1136G>T on transcript NM_000497.4 (MANE Select); coding-DNA position 1136, G replaced by T.
Protein change: p.Gly379Val; replaces glycine 379 with valine.
Molecular consequence: missense variant.
Genome position (GRCh38, 1-based): chr8:142,875,298, C>A on the plus strand (G>T on the coding strand, the complement: CYP11B1 is on the minus strand). VCF-style: chr8-142875298-C-A. GRCh37 (hg19) VCF-style: chr8-143956714-C-A.
Other names: c.1136G>T, p.Gly379Val (NM_001026213.1); short protein forms G379V.
Identifiers: ClinVar variation 948654 (VCV000948654.7), dbSNP rs1816901292, ClinGen allele CA372392611.

ClinVar aggregate classification (germline): Likely pathogenic. Review status: criteria provided, multiple submitters, no conflicts (2 of 4 stars). 2 submissions from 2 submitters: Likely pathogenic (2). Last evaluated 2023-07-13.

Conditions:
Deficiency of steroid 11-beta-monooxygenase (CYP11B1). Also called: ADRENAL HYPERPLASIA IV; ADRENAL HYPERPLASIA, CONGENITAL, DUE TO STEROID 11-BETA-HYDROXYLASE DEFICIENCY; P450C11B1 DEFICIENCY; STEROID 11-BETA-HYDROXYLASE DEFICIENCY; Congenital adrenal hyperplasia due to 11-beta-hydroxylase deficiency; 11-BETA-HYDROXYLASE DEFICIENCY. Identifiers: Orphanet 90795, MedGen C0268292, MONDO:0008729, OMIM 202010. Disease mechanism: loss of function.

Allele frequency attached by ClinVar (database versions not stated): TOPMed 0.00001.
gnomAD v4.1: 1 of 1,613,274 alleles (0.000062%); highest among the groups gnomAD compares: Non-Finnish European, 0.000085%; no homozygotes.

Submissions (2):

Baylor Genetics
Classification: Likely pathogenic for Deficiency of steroid 11-beta-monooxygenase. Last evaluated: 2023-07-13. Review status: criteria provided, single submitter. Criteria: ACMG Guidelines, 2015. Collection method: clinical testing. Allele origin: unknown.

Labcorp Genetics (formerly Invitae), Labcorp
Classification: Likely pathogenic. Last evaluated: 2022-03-21. Review status: criteria provided, single submitter. Criteria: Invitae Variant Classification Sherloc (09022015). Collection method: clinical testing. Allele origin: germline.
Comment: This sequence change replaces glycine, which is neutral and non-polar, with valine, which is neutral and non-polar, at codon 379 of the CYP11B1 protein (p.Gly379Val). This variant is not present in population databases (gnomAD no frequency). This missense change has been observed in individuals with congenital adrenal hyperplasia (PMID: 20331679, 25911436, 28228528). ClinVar contains an entry for this variant (Variation ID: 948654). Algorithms developed to predict the effect of missense changes on protein structure and function (SIFT, PolyPhen-2, Align-GVGD) all suggest that this variant is likely to be disruptive. In summary, the currently available evidence indicates that the variant is pathogenic, but additional data are needed to prove that conclusively. Therefore, this variant has been classified as Likely Pathogenic.

Literature cited by the submitters: PubMed 20331679 (cited by Labcorp Genetics (formerly Invitae), Labcorp); PubMed 25911436 (cited by Labcorp Genetics (formerly Invitae), Labcorp); PubMed 28228528 (cited by Labcorp Genetics (formerly Invitae), Labcorp).